The following is an entry in ClinVar:

NM_000264.5(PTCH1):c.727_736del (p.Ser243fs)

Gene: PTCH1 (patched 1; minus strand). Cytogenetic location: 9q22.32.
Variant type: Deletion.
Coding change: c.727_736del on transcript NM_000264.5 (MANE Select); coding-DNA positions 727 to 736, 10 bases deleted (TCTGGGACAG; older notation c.727_736delTCTGGGACAG).
Protein change: p.Ser243fs; shifts the reading frame from serine 243.
Molecular consequence: frameshift variant. On other transcripts: non-coding transcript variant (1).
Genome position (GRCh38, 1-based): chr9:95,481,959-95,481,968, CTGTCCCAGA deleted on the plus strand (TCTGGGACAG on the coding strand, the reverse complement: PTCH1 is on the minus strand); deleting any 10 consecutive bases within chr9:95,481,959-95,481,972 gives the same sequence; the c. name uses the placement nearest the transcript's 3' end. VCF-style (leftmost placement, unchanged base first): chr9-95481958-GCTGTCCCAGA-G. GRCh37 (hg19) VCF-style: chr9-98244240-GCTGTCCCAGA-G.
Other names: c.529_538del, p.Ser177fs (NM_001083602.3, NM_001354919.2); c.724_733del, p.Ser242fs (NM_001083603.3); c.274_283del, p.Ser92fs (NM_001083604.3, NM_001083605.3, NM_001083606.3 and 1 more transcripts); c.727_736del, p.Ser243fs (NM_001354918.2); short protein forms S243fs, S92fs, S242fs, S177fs.
Identifiers: ClinVar variation 3661009 (VCV003661009.2).

ClinVar aggregate classification (germline): Pathogenic (1 of 4 stars; one submission).

Conditions:
Gorlin syndrome. Also called: Nevoid Basal Cell Carcinoma Syndrome; Basal cell nevus syndrome. Identifiers: Orphanet 377, MedGen C0004779, MONDO:0007187.

Submission:

Labcorp Genetics (formerly Invitae), Labcorp
Classification: Pathogenic for Gorlin syndrome. Last evaluated: 2024-07-31. Review status: criteria provided, single submitter. Criteria: Invitae Variant Classification Sherloc (09022015). Collection method: clinical testing. Allele origin: germline.
Comment: This sequence change creates a premature translational stop signal (p.Ser243Hisfs*4) in the PTCH1 gene. It is expected to result in an absent or disrupted protein product. Loss-of-function variants in PTCH1 are known to be pathogenic (PMID: 16301862, 16419085). This variant is not present in population databases (gnomAD no frequency). This variant has not been reported in the literature in individuals affected with PTCH1-related conditions. For these reasons, this variant has been classified as Pathogenic.

Literature cited by the submitters: PubMed 16301862; PubMed 16419085.